The following is an entry in ClinVar:

NM_002303.6(LEPR):c.1949A>G (p.Asn650Ser)

Gene: LEPR (leptin receptor; plus strand). Cytogenetic location: 1p31.3.
Variant type: single nucleotide variant.
Coding change: c.1949A>G on transcript NM_002303.6 (MANE Select); coding-DNA position 1949, A replaced by G.
Protein change: p.Asn650Ser; replaces asparagine 650 with serine.
Molecular consequence: missense variant.
Genome position (GRCh38, 1-based): chr1:65,610,250, A>G. VCF-style: chr1-65610250-A-G. GRCh37 (hg19) VCF-style: chr1-66075933-A-G.
Other names: c.1949A>G, p.Asn650Ser (NM_001003679.3, NM_001003680.3, NM_001198687.2 and 2 more transcripts); short protein forms N650S.
Identifiers: ClinVar variation 4984078 (VCV004984078.1).
Genomic context (GRCh38, chr1:65,610,250, plus strand): 5'-TATACACAACTTGTCATTTTGCAGTTCCTATGAGAGGACCTGAATTTTGGAGAATAATTA[A>G]TGGAGATACTATGAAAAAGGAGAAAAATGTCACTTTACTTTGGAAGGTATTCCCAATTTT-3'
Protein context (NP_002294.2, residues 640-660): MRGPEFWRII[Asn650Ser]GDTMKKEKNV

ClinVar aggregate classification (germline): Uncertain significance (1 of 4 stars; one submission).

Conditions:
LEPR-related disorder. Also called: LEPR-related condition; LEPR-related disorders.

gnomAD v4.1: 1 of 1,613,952 alleles (0.000062%); highest among the groups gnomAD compares: South Asian, 0.0011%; no homozygotes.

Submission:

PreventionGenetics, part of Exact Sciences
Classification: Uncertain significance for LEPR-related condition. Last evaluated: 2024-10-18. Review status: criteria provided, single submitter. Criteria: ACMG Guidelines, 2015. Collection method: clinical testing. Allele origin: germline.
Comment: The LEPR c.1949A>G variant is predicted to result in the amino acid substitution p.Asn650Ser. To our knowledge, this variant has not been reported in individuals with obesity in the literature. An in vitro functional study showed function similar to wild-type levels (Supplemental Data Set 3, Shah et al. 2023. PubMed ID: 36864747). This variant has not been reported in a large population database, indicating this variant is rare. At this time, the clinical significance of this variant is uncertain due to the absence of conclusive functional and genetic evidence.